The following is an entry in ClinVar:

NM_130797.4(DPP6):c.2334G>A (p.Ala778=)

Gene: DPP6 (dipeptidyl peptidase like 6; plus strand). Cytogenetic location: 7q36.2.
Variant type: single nucleotide variant.
Coding change: c.2334G>A on transcript NM_130797.4 (MANE Select); coding-DNA position 2334, G replaced by A.
Protein change: p.Ala778=; no amino-acid change (alanine 778 retained).
Molecular consequence: synonymous variant. On other transcripts: non-coding transcript variant (2).
Genome position (GRCh38, 1-based): chr7:154,889,301, G>A. VCF-style: chr7-154889301-G-A. GRCh37 (hg19) VCF-style: chr7-154681011-G-A.
Other names: c.2142G>A, p.Ala714= (NM_001039350.3); c.2013G>A, p.Ala671= (NM_001290252.2); c.2151G>A, p.Ala717= (NM_001364497.2, NM_001364498.2, NM_001364499.2 and 1 more transcripts); c.2148G>A, p.Ala716= (NM_001936.5).
Identifiers: ClinVar variation 3043455 (VCV003043455.2), dbSNP rs766943750, ClinGen allele CA4583921.
Genomic context (GRCh38, chr7:154,889,301, plus strand): 5'-TAACTCTGTCCCCTTGCCCCCGCATGTGCAGATGACCAAGGTAGCCCATCGAGTCTCCGC[G>A]CTGGAAGAACAGCAGTTCCTGATCATTCATCCCACTGCCGATGGTAAGGACTGAAAACAT-3'
Protein context (NP_570629.2, residues 768-788): EMTKVAHRVS[Ala778=]LEEQQFLIIH

ClinVar aggregate classification (germline): Likely benign (0 of 4 stars; one submission).

Conditions:
DPP6-related disorder. Also called: DPP6-related condition.

Allele frequency attached by ClinVar (database versions not stated): ExAC 0.00001; gnomAD exomes 0.00003.
gnomAD v4.1: 45 of 1,612,838 alleles (0.0028%); highest among the groups gnomAD compares: Non-Finnish European, 0.0034%; no homozygotes.

Submission:

PreventionGenetics, part of Exact Sciences
Classification: Likely benign for DPP6-related condition. Last evaluated: 2019-06-25. Review status: no assertion criteria provided. Collection method: clinical testing. Allele origin: germline.
Comment: This variant is classified as likely benign based on ACMG/AMP sequence variant interpretation guidelines (Richards et al. 2015 PMID: 25741868, with internal and published modifications).